The following is an entry in ClinVar:

ClinVar aggregate classification (germline): Uncertain significance (1 of 4 stars; one submission).

Conditions:
Fetal akinesia deformation sequence 1 (FADS1). Also called: Pena-Shokeir syndrome type I; Fetal akinesia sequence. Identifiers: Orphanet 994, MedGen C1276035, MONDO:0100101, OMIM 208150, HP:0001989.
Congenital myasthenic syndrome 11. Also called: Myasthenic syndrome, congenital, 11, associated with acetylcholine receptor deficiency; MYASTHENIC SYNDROME, CONGENITAL, Ie. Identifiers: Orphanet 590, MedGen C4225367, MONDO:0014588, OMIM 616326.

Allele frequency attached by ClinVar (database versions not stated): gnomAD 0.00001.
gnomAD v4.1: 2 of 1,614,130 alleles (0.00012%); highest among the groups gnomAD compares: Non-Finnish European, 0.00017%; no homozygotes.

Submission:

Labcorp Genetics (formerly Invitae), Labcorp
Classification: Uncertain significance for Congenital myasthenic syndrome 11; Fetal akinesia deformation sequence 1. Last evaluated: 2021-01-08. Review status: criteria provided, single submitter. Criteria: Invitae Variant Classification Sherloc (09022015). Collection method: clinical testing. Allele origin: germline.
Comment: In summary, the available evidence is currently insufficient to determine the role of this variant in disease. Therefore, it has been classified as a Variant of Uncertain Significance. This variant disrupts the p.Leu14 amino acid residue in RAPSN. Other variant(s) that disrupt this residue have been determined to be pathogenic (PMID: 11791205, 12929188). This suggests that this residue is clinically significant, and that variants that disrupt this residue are likely to be disease-causing. Algorithms developed to predict the effect of missense changes on protein structure and function are either unavailable or do not agree on the potential impact of this missense change (SIFT: "Deleterious"; PolyPhen-2: "Probably Damaging"; Align-GVGD: "Class C15"). This variant has not been reported in the literature in individuals with RAPSN-related conditions. This variant is not present in population databases (ExAC no frequency). This sequence change replaces leucine with phenylalanine at codon 14 of the RAPSN protein (p.Leu14Phe). The leucine residue is highly conserved and there is a small physicochemical difference between leucine and phenylalanine.

Literature cited by the submitters: PubMed 11791205; PubMed 12929188.

NM_005055.5(RAPSN):c.40C>T (p.Leu14Phe)

Gene: RAPSN (receptor associated protein of the synapse; minus strand). Cytogenetic location: 11p11.2.
Variant type: single nucleotide variant.
Coding change: c.40C>T on transcript NM_005055.5 (MANE Select); coding-DNA position 40, C replaced by T.
Protein change: p.Leu14Phe; replaces leucine 14 with phenylalanine.
Molecular consequence: missense variant.
Genome position (GRCh38, 1-based): chr11:47,448,925, G>A on the plus strand (C>T on the coding strand, the complement: RAPSN is on the minus strand). VCF-style: chr11-47448925-G-A. GRCh37 (hg19) VCF-style: chr11-47470477-G-A.
Other names: c.40C>T, p.Leu14Phe (NM_032645.5); short protein forms L14F.
Identifiers: ClinVar variation 1461393 (VCV001461393.8), dbSNP rs1256816164, ClinGen allele CA380337178.